The following is an entry in ClinVar:

NM_020698.4(TMCC3):c.1248C>T (p.Asn416=)

Gene: TMCC3 (transmembrane and coiled-coil domain family 3; minus strand). Cytogenetic location: 12q22.
Variant type: single nucleotide variant.
Coding change: c.1248C>T on transcript NM_020698.4 (MANE Select); coding-DNA position 1248, C replaced by T.
Protein change: p.Asn416=; no amino-acid change (asparagine 416 retained).
Molecular consequence: synonymous variant.
Genome position (GRCh38, 1-based): chr12:94,571,621, G>A on the plus strand (C>T on the coding strand, the complement: TMCC3 is on the minus strand). VCF-style: chr12-94571621-G-A. GRCh37 (hg19) VCF-style: chr12-94965397-G-A.
Other names: c.1155C>T, p.Asn385= (NM_001301036.2).
Identifiers: ClinVar variation 3905290 (VCV003905290.10).
Genomic context (GRCh38, chr12:94,571,621, plus strand): 5'-GACGAACTTCGCGATGGTGGACACACACACTAAGATGACAGTCATGAAGGCCAGGATCAC[G>A]TTGATGCACCTCCCCAGGAGAACTTTAGCATTCACGGTGTCTGTCTGCAGAGCTTGCTGC-3'
Protein context (NP_065749.3, residues 406-426): NAKVLLGRCI[Asn416=]VILAFMTVIL

ClinVar aggregate classification (germline): Likely benign (1 of 4 stars; one submission).

gnomAD v4.1: 184 of 1,614,186 alleles (0.011%); highest among the groups gnomAD compares: South Asian, 0.063%; 2 homozygotes.

Submission:

CeGaT Center for Human Genetics Tuebingen
Classification: Likely benign. Last evaluated: 2025-06-01. Review status: criteria provided, single submitter. Criteria: CeGaT Center For Human Genetics Tuebingen Variant Classification Criteria Version 2. Collection method: clinical testing. Allele origin: germline. Affected: yes. Observed: 1 variant allele.
Comment: TMCC3: BP4, BP7